The following is an entry in ClinVar:

ClinVar aggregate classification (germline): Uncertain significance (1 of 4 stars; one submission).

Conditions:
Inborn genetic diseases. Identifiers: MedGen C0950123, MeSH D030342.

Submission:

Ambry Genetics
Classification: Uncertain significance for Inborn genetic diseases. Last evaluated: 2023-11-02. Review status: criteria provided, single submitter. Criteria: Ambry Variant Classification Scheme 2023. Collection method: clinical testing. Allele origin: germline.
Comment: The c.1336+4A>T intronic alteration consists of a A to T substitution nucleotides after coding exon 9 in the CFH gene. Based on insufficient or conflicting evidence, the clinical significance of this alteration remains unclear.

NM_000186.4(CFH):c.1336+4A>T

Gene: CFH (complement factor H; plus strand). Cytogenetic location: 1q31.3.
Variant type: single nucleotide variant.
Coding change: c.1336+4A>T on transcript NM_000186.4 (MANE Select); 4 bases into the intron after coding-DNA position 1336, A replaced by T.
Molecular consequence: intron variant.
Genome position (GRCh38, 1-based): chr1:196,690,243, A>T. VCF-style: chr1-196690243-A-T. GRCh37 (hg19) VCF-style: chr1-196659373-A-T.
Other names: c.1336+4A>T (NM_001014975.3).
Identifiers: ClinVar variation 3143792 (VCV003143792.1), dbSNP rs1573028051, ClinGen allele CA2825000876.